The following is an entry in ClinVar:

ClinVar aggregate classification (germline): Uncertain significance. Review status: criteria provided, multiple submitters, no conflicts (2 of 4 stars). 2 submissions from 2 submitters: Uncertain significance (2). Last evaluated 2024-08-20.

Conditions:
Inborn genetic diseases. Identifiers: MedGen C0950123, MeSH D030342.

Allele frequency attached by ClinVar (database versions not stated): gnomAD exomes 0.00001.
gnomAD v4.1: 3 of 1,614,240 alleles (0.00019%); highest among the groups gnomAD compares: East Asian, 0.0022%; no homozygotes.

Submissions (2):

Ambry Genetics
Classification: Uncertain significance for Inborn genetic diseases. Last evaluated: 2024-08-20. Review status: criteria provided, single submitter. Criteria: Ambry Variant Classification Scheme 2023. Collection method: clinical testing. Allele origin: germline.

Labcorp Genetics (formerly Invitae), Labcorp
Classification: Uncertain significance. Last evaluated: 2022-09-27. Review status: criteria provided, single submitter. Criteria: Invitae Variant Classification Sherloc (09022015). Collection method: clinical testing. Allele origin: germline.
Comment: Algorithms developed to predict the effect of missense changes on protein structure and function (SIFT, PolyPhen-2, Align-GVGD) all suggest that this variant is likely to be disruptive. This missense change has been observed in individual(s) with clinical features of congenital stationary night blindness (Invitae). In at least one individual the data is consistent with being in trans (on the opposite chromosome) from a pathogenic variant. This variant is not present in population databases (gnomAD no frequency). This sequence change replaces tryptophan, which is neutral and slightly polar, with arginine, which is basic and polar, at codon 632 of the TRPM1 protein (p.Trp632Arg). In summary, the available evidence is currently insufficient to determine the role of this variant in disease. Therefore, it has been classified as a Variant of Uncertain Significance.

NM_001252024.2(TRPM1):c.1960T>C (p.Trp654Arg)

Gene: TRPM1 (transient receptor potential cation channel subfamily M member 1; minus strand). Cytogenetic location: 15q13.3.
Variant type: single nucleotide variant.
Coding change: c.1960T>C on transcript NM_001252024.2 (MANE Select); coding-DNA position 1960, T replaced by C.
Protein change: p.Trp654Arg; replaces tryptophan 654 with arginine.
Molecular consequence: missense variant.
Genome position (GRCh38, 1-based): chr15:31,042,078, A>G on the plus strand (T>C on the coding strand, the complement: TRPM1 is on the minus strand). VCF-style: chr15-31042078-A-G. GRCh37 (hg19) VCF-style: chr15-31334281-A-G.
Other names: c.2011T>C, p.Trp671Arg (NM_001252020.2); c.1894T>C, p.Trp632Arg (NM_002420.6); c.1894T>C (NM_002420.4); short protein forms W632R, W654R, W671R.
Identifiers: ClinVar variation 1715784 (VCV001715784.6), dbSNP rs2504117512, ClinGen allele CA391511758.
Genomic context (GRCh38, chr15:31,042,078, plus strand): 5'-TGGCCTTGTAGAGCTTGCAGGCCACCAGGGCCTTGGCCATGCTCTCTTCCCCTCGCTGCC[A>G]GAGGAACACTGCCATTTTCTGGCGTTTCATCAGCACTGCCCACACCATCAGCTCGTGGAA-3'
Protein context (NP_001238953.1, residues 644-664): MKRQKMAVFL[Trp654Arg]QRGEESMAKA